The following is an entry in ClinVar:

ClinVar aggregate classification (germline): Likely pathogenic (1 of 4 stars; one submission).

Conditions:
Lymphoproliferative syndrome with absent SAP expression.

Submission:

Genetics Laboratory, Great Ormond Street Hospital NHS Foundation Trust, North Thames Genomic Laboratory Hub
Classification: Likely pathogenic for Lymphoproliferative syndrome with absent SAP expression. Last evaluated: 2026-01-20. Review status: criteria provided, single submitter. Criteria: ACGS Best Practice Guidelines for Variant Classification in Rare Disease 2024 v1.2. Collection method: clinical testing. Allele origin: germline. Affected: yes.
Comment: PS4_supporting, PM2_moderate, PM4_supporting, PP4_moderate

NM_002351.5(SH2D1A):c.57_59dup (p.Leu21_Ala22insLeu)

Gene: SH2D1A (SH2 domain containing 1A; plus strand). Cytogenetic location: Xq25.
Variant type: Duplication.
Coding change: c.57_59dup on transcript NM_002351.5 (MANE Select); coding-DNA positions 57 to 59, 3 bases duplicated (CCT; older notation c.57_59dupCCT).
Protein change: p.Leu21_Ala22insLeu.
Genome position (GRCh38, 1-based): chrX:124,346,699-124,346,701, CCT duplicated; duplicating any 3 consecutive bases within chrX:124,346,697-124,346,701 gives the same sequence; the c. name uses the placement nearest the transcript's 3' end. VCF-style (leftmost placement, unchanged base first): chrX-124346696-G-GCTC. GRCh37 (hg19) VCF-style: chrX-123480546-G-GCTC.
Other names: c.57_59dup, p.Leu21_Ala22insLeu (NM_001114937.3).
Identifiers: ClinVar variation 4813657 (VCV004813657.1).